The following is an entry in ClinVar:

NM_001378615.1(CC2D2A):c.3104A>T (p.Asn1035Ile)

Genes: CC2D2A (coiled-coil and C2 domain containing 2A; plus strand), FBXL5 (F-box and leucine rich repeat protein 5; minus strand). Cytogenetic location: 4p15.32.
Variant type: single nucleotide variant.
Coding change: c.3104A>T on transcript NM_001378615.1 (MANE Select); coding-DNA position 3104, A replaced by T.
Protein change: p.Asn1035Ile; replaces asparagine 1035 with isoleucine.
Molecular consequence: missense variant.
Genome position (GRCh38, 1-based): chr4:15,563,444, A>T. VCF-style: chr4-15563444-A-T. GRCh37 (hg19) VCF-style: chr4-15565067-A-T.
Other names: c.3104A>T, p.Asn1035Ile (NM_001080522.2); c.2957A>T, p.Asn986Ile (NM_001378617.1); short protein forms N1035I, N986I.
Identifiers: ClinVar variation 1467348 (VCV001467348.8), dbSNP rs2109065297, ClinGen allele CA356415908.

ClinVar aggregate classification (germline): Uncertain significance (1 of 4 stars; one submission).

Conditions:
Joubert syndrome. Also called: JOUBERT-BOLTSHAUSER SYNDROME; Familial aplasia of the vermis. Identifiers: Orphanet 475, MedGen C5979921, MONDO:0018772.
Meckel-Gruber syndrome. Also called: DYSENCEPHALIA SPLANCHNOCYSTICA; GRUBER SYNDROME; Dysencephalia splachnocystica. Identifiers: Orphanet 564, MedGen C0265215, MONDO:0018921.

Allele frequency attached by ClinVar (database versions not stated): gnomAD exomes below 0.00001.
gnomAD v4.1: 1 of 1,611,666 alleles (0.000062%); highest among the groups gnomAD compares: Non-Finnish European, 0.000085%; no homozygotes.

Submission:

Labcorp Genetics (formerly Invitae), Labcorp
Classification: Uncertain significance for Joubert syndrome; Meckel-Gruber syndrome. Last evaluated: 2021-04-24. Review status: criteria provided, single submitter. Criteria: Invitae Variant Classification Sherloc (09022015). Collection method: clinical testing. Allele origin: germline.
Comment: Advanced modeling of protein sequence and biophysical properties (such as structural, functional, and spatial information, amino acid conservation, physicochemical variation, residue mobility, and thermodynamic stability) performed at Invitae indicates that this missense variant is expected to disrupt CC2D2A protein function. In summary, the available evidence is currently insufficient to determine the role of this variant in disease. Therefore, it has been classified as a Variant of Uncertain Significance. This variant has not been reported in the literature in individuals with CC2D2A-related conditions. This variant is not present in population databases (ExAC no frequency). This sequence change replaces asparagine with isoleucine at codon 1035 of the CC2D2A protein (p.Asn1035Ile). The asparagine residue is moderately conserved and there is a large physicochemical difference between asparagine and isoleucine.